The following is an entry in ClinVar:

NM_005476.7(GNE):c.1442G>A (p.Arg481Gln)

Gene: GNE (glucosamine (UDP-N-acetyl)-2-epimerase/N-acetylmannosamine kinase; minus strand). Cytogenetic location: 9p13.3.
Variant type: single nucleotide variant.
Coding change: c.1442G>A on transcript NM_005476.7 (MANE Select); coding-DNA position 1442, G replaced by A.
Protein change: p.Arg481Gln; replaces arginine 481 with glutamine.
Molecular consequence: missense variant. On other transcripts: intron variant (1).
Genome position (GRCh38, 1-based): chr9:36,222,968, C>T on the plus strand (G>A on the coding strand, the complement: GNE is on the minus strand). VCF-style: chr9-36222968-C-T. GRCh37 (hg19) VCF-style: chr9-36222965-C-T.
Other names: c.1535G>A, p.Arg512Gln (NM_001128227.3); c.1112G>A, p.Arg371Gln (NM_001190384.3); c.1265G>A, p.Arg422Gln (NM_001190388.2, NM_001374798.1); c.1289G>A, p.Arg430Gln (NM_001374797.1); c.1411+405G>A (NM_001190383.3); short protein forms R512Q, R481Q, R371Q, R422Q, R430Q.
Identifiers: ClinVar variation 451929 (VCV000451929.16), dbSNP rs138357804, ClinGen allele CA5056479.

ClinVar aggregate classification (germline): Uncertain significance. Review status: criteria provided, multiple submitters, no conflicts (2 of 4 stars). 6 submissions from 6 submitters: Uncertain significance (5). 1 of the submissions does not count toward it. Last evaluated 2024-05-21.

Conditions:
Sialuria. Also called: Sialic Acid Storage Disease; SIALURIA, FRENCH TYPE. Identifiers: Orphanet 3166, MedGen C0342853, MONDO:0010028, OMIM 269921.
GNE myopathy (NM). Also called: IBM 2; Inclusion body myopathy autosomal recessive; Inclusion body myopathy quadriceps sparing; INCLUSION BODY MYOPATHY, HEREDITARY, AUTOSOMAL RECESSIVE; INCLUSION BODY MYOPATHY 2, AUTOSOMAL RECESSIVE; MYOPATHY, DISTAL, WITH OR WITHOUT RIMMED VACUOLES. Identifiers: Orphanet 602, MedGen C1853926, MONDO:0011603, OMIM 605820.

Allele frequency attached by ClinVar (database versions not stated): gnomAD exomes 0.00002 and 0.00006; gnomAD 0.00008 and 0.00009; ExAC 0.00009; TOPMed 0.00011; ESP Exome Variant Server 0.00015; 1000 Genomes Project 30x 0.00016; 1000 Genomes Project 0.00020.
gnomAD v4.1: 65 of 1,614,032 alleles (0.004%); highest among the groups gnomAD compares: East Asian, 0.02%; no homozygotes.

Submissions (6):

Blueprint Genetics
Classification: Uncertain significance. Last evaluated: 2024-05-21. Review status: criteria provided, single submitter. Criteria: ACMG Guidelines, 2015. Collection method: clinical testing. Allele origin: germline.

Labcorp Genetics (formerly Invitae), Labcorp
Classification: Uncertain significance for Sialuria; GNE myopathy. Last evaluated: 2022-10-22. Review status: criteria provided, single submitter. Criteria: Invitae Variant Classification Sherloc (09022015). Collection method: clinical testing. Allele origin: germline.
Comment: This sequence change replaces arginine, which is basic and polar, with glutamine, which is neutral and polar, at codon 512 of the GNE protein (p.Arg512Gln). This variant is present in population databases (rs138357804, gnomAD 0.02%). This variant has not been reported in the literature in individuals affected with GNE-related conditions. ClinVar contains an entry for this variant (Variation ID: 451929). Algorithms developed to predict the effect of missense changes on protein structure and function output the following: SIFT: "Tolerated"; PolyPhen-2: "Benign"; Align-GVGD: "Class C0". The glutamine amino acid residue is found in multiple mammalian species, which suggests that this missense change does not adversely affect protein function. In summary, the available evidence is currently insufficient to determine the role of this variant in disease. Therefore, it has been classified as a Variant of Uncertain Significance.

Revvity Omics, Revvity
Classification: Uncertain significance. Last evaluated: 2019-07-19. Review status: criteria provided, single submitter. Criteria: ACMG Guidelines, 2015. Collection method: clinical testing. Allele origin: germline.

Eurofins Ntd Llc (ga)
Classification: Uncertain significance. Last evaluated: 2018-03-23. Review status: criteria provided, single submitter. Criteria: EGL ClinVar v180209 classification definitions. Collection method: clinical testing. Allele origin: germline. Observed: 2 variant alleles, 2 heterozygotes.

GeneDx
Classification: Uncertain significance. Last evaluated: 2017-09-06. Review status: criteria provided, single submitter. Criteria: GeneDx Variant Classification (06012015). Collection method: clinical testing. Allele origin: germline. Affected: yes.
Comment: The R512Q variant in the GNE gene has not been reported previously as a pathogenic variant, nor as a benign variant, to our knowledge. The R512Q variant is observed in 5/8652 (0.06%) alleles from individuals of East Asian background in the ExAC dataset. The R512Q variant is a semi-conservative amino acid substitution, which may impact secondary protein structure as these residues differ in some properties. This substitution occurs at a position that is not conserved. In silico analysis is inconsistent in its predictions as to whether or not the variant is damaging to the protein structure/function. We interpret R512Q as a variant of uncertain significance.

Natera, Inc.
Classification: Uncertain significance for Nonaka myopathy. Last evaluated: 2020-09-16. Review status: no assertion criteria provided. Collection method: clinical testing. Allele origin: germline. Not counted in ClinVar's aggregate classification.